The following is an entry in ClinVar:

NM_004385.5(VCAN):c.8892T>A (p.Asp2964Glu)

Genes: VCAN (versican; plus strand), VCAN-AS1 (VCAN antisense RNA 1; minus strand). Cytogenetic location: 5q14.3.
Variant type: single nucleotide variant.
Coding change: c.8892T>A on transcript NM_004385.5 (MANE Select); coding-DNA position 8892, T replaced by A.
Protein change: p.Asp2964Glu; replaces aspartic acid 2964 with glutamic acid.
Molecular consequence: missense variant. On other transcripts: intron variant (2).
Genome position (GRCh38, 1-based): chr5:83,541,895, T>A. VCF-style: chr5-83541895-T-A. GRCh37 (hg19) VCF-style: chr5-82837714-T-A.
Other names: c.5931T>A, p.Asp1977Glu (NM_001164097.2); c.4004-3642T>A (NM_001164098.2); c.1043-3642T>A (NM_001126336.3); c.8892T>A (NM_004385.4); short protein forms D1977E, D2964E.
Identifiers: ClinVar variation 1479891 (VCV001479891.9), dbSNP rs746485569, ClinGen allele CA121776958.

ClinVar aggregate classification (germline): Uncertain significance. Review status: criteria provided, multiple submitters, no conflicts (2 of 4 stars). 2 submissions from 2 submitters: Uncertain significance (2). Last evaluated 2026-08-11.

Conditions:
VCAN-related disorder. Also called: VCAN-related condition.

Allele frequency attached by ClinVar (database versions not stated): gnomAD 0.00001; gnomAD exomes 0.00001; TOPMed 0.00003.
gnomAD v4.1: 21 of 1,613,980 alleles (0.0013%); highest among the groups gnomAD compares: Non-Finnish European, 0.0016%; no homozygotes.

Submissions (2):

PreventionGenetics, part of Exact Sciences
Classification: Uncertain significance for VCAN-related condition. Last evaluated: 2026-08-11. Review status: criteria provided, single submitter. Criteria: ACMG Guidelines, 2015. Collection method: clinical testing. Allele origin: germline.
Comment: The VCAN c.8892T>A variant is predicted to result in the amino acid substitution p.Asp2964Glu. To our knowledge, this variant has not been reported in the literature. This variant is reported in 0.0026% of alleles in individuals of European (Non-Finnish) descent in gnomAD. At this time, the clinical significance of this variant is uncertain due to the absence of conclusive functional and genetic evidence.

Labcorp Genetics (formerly Invitae), Labcorp
Classification: Uncertain significance. Last evaluated: 2024-07-02. Review status: criteria provided, single submitter. Criteria: Invitae Variant Classification Sherloc (09022015). Collection method: clinical testing. Allele origin: germline.
Comment: This sequence change replaces aspartic acid, which is acidic and polar, with glutamic acid, which is acidic and polar, at codon 2964 of the VCAN protein (p.Asp2964Glu). This variant is present in population databases (rs746485569, gnomAD 0.003%). This variant has not been reported in the literature in individuals affected with VCAN-related conditions. ClinVar contains an entry for this variant (Variation ID: 1479891). An algorithm developed to predict the effect of missense changes on protein structure and function (PolyPhen-2) suggests that this variant is likely to be tolerated. In summary, the available evidence is currently insufficient to determine the role of this variant in disease. Therefore, it has been classified as a Variant of Uncertain Significance.